The following is an entry in ClinVar:

NM_001987.5(ETV6):c.776G>A (p.Arg259Gln)

Gene: ETV6 (ETS variant transcription factor 6; plus strand). Cytogenetic location: 12p13.2.
Variant type: single nucleotide variant.
Coding change: c.776G>A on transcript NM_001987.5 (MANE Select); coding-DNA position 776, G replaced by A.
Protein change: p.Arg259Gln; replaces arginine 259 with glutamine.
Molecular consequence: missense variant.
Genome position (GRCh38, 1-based): chr12:11,869,736, G>A. VCF-style: chr12-11869736-G-A. GRCh37 (hg19) VCF-style: chr12-12022670-G-A.
Other names: c.773G>A, p.Arg258Gln (NM_001413913.1); c.749G>A, p.Arg250Gln (NM_001413914.1); c.512G>A, p.Arg171Gln (NM_001413915.1); c.776G>A, p.Arg259Gln (NM_001413916.1, NM_001413917.1); short protein forms R171Q, R250Q, R258Q, R259Q.
Identifiers: ClinVar variation 2429541 (VCV002429541.7), dbSNP rs757118909, ClinGen allele CA6454332.

ClinVar aggregate classification (germline): Conflicting classifications of pathogenicity. Review status: criteria provided, conflicting classifications (1 of 4 stars). 4 submissions from 4 submitters: Uncertain significance (3); Likely benign (1). Last evaluated 2024-12-12.

Conditions:
Inborn genetic diseases. Identifiers: MedGen C0950123, MeSH D030342.

Allele frequency attached by ClinVar (database versions not stated): ExAC 0.00002; gnomAD exomes 0.00003; TOPMed 0.00003.
gnomAD v4.1: 46 of 1,613,572 alleles (0.0029%); highest among the groups gnomAD compares: Middle Eastern, 0.016%; no homozygotes.

Submissions (4):

Ambry Genetics
Classification: Likely benign for Inborn genetic diseases. Last evaluated: 2024-12-12. Review status: criteria provided, single submitter. Criteria: Ambry Variant Classification Scheme 2023. Collection method: clinical testing. Allele origin: germline.

Blueprint Genetics
Classification: Uncertain significance. Last evaluated: 2024-05-02. Review status: criteria provided, single submitter. Criteria: ACMG Guidelines, 2015. Collection method: clinical testing. Allele origin: germline.

GeneDx
Classification: Uncertain significance. Last evaluated: 2024-01-19. Review status: criteria provided, single submitter. Criteria: GeneDx Variant Classification Process June 2021. Collection method: clinical testing. Allele origin: germline. Affected: yes.
Comment: Not observed at significant frequency in large population cohorts (gnomAD); In silico analysis supports that this missense variant does not alter protein structure/function; Published functional studies suggest a neutral effect: transcription repression activity comparable to wild type (PMID: 32693409); Observed in an individual with a personal history of acute lymphoblastic leukemia (ALL) (PMID: 26522332); This variant is associated with the following publications: (PMID: 28555414, 28637624, 32693409, 26522332)

Labcorp Genetics (formerly Invitae), Labcorp
Classification: Uncertain significance. Last evaluated: 2023-06-03. Review status: criteria provided, single submitter. Criteria: Invitae Variant Classification Sherloc (09022015). Collection method: clinical testing. Allele origin: germline.
Comment: This variant is present in population databases (rs757118909, gnomAD 0.005%). This sequence change replaces arginine, which is basic and polar, with glutamine, which is neutral and polar, at codon 259 of the ETV6 protein (p.Arg259Gln). This missense change has been observed in individual(s) with acute lymphoblastic leukemia (PMID: 26522332). ClinVar contains an entry for this variant (Variation ID: 2429541). Advanced modeling of protein sequence and biophysical properties (such as structural, functional, and spatial information, amino acid conservation, physicochemical variation, residue mobility, and thermodynamic stability) performed at Invitae indicates that this missense variant is not expected to disrupt ETV6 protein function. In summary, the available evidence is currently insufficient to determine the role of this variant in disease. Therefore, it has been classified as a Variant of Uncertain Significance.

Literature cited by the submitters: PubMed 26522332 (cited by Labcorp Genetics (formerly Invitae), Labcorp).